The following is an entry in ClinVar:

NM_006180.6(NTRK2):c.853+4C>A

Gene: NTRK2 (neurotrophic receptor tyrosine kinase 2; plus strand). Cytogenetic location: 9q21.33.
Variant type: single nucleotide variant.
Coding change: c.853+4C>A on transcript NM_006180.6 (MANE Select); 4 bases into the intron after coding-DNA position 853, C replaced by A.
Molecular consequence: intron variant.
Genome position (GRCh38, 1-based): chr9:84,724,360, C>A. VCF-style: chr9-84724360-C-A. GRCh37 (hg19) VCF-style: chr9-87339275-C-A.
Other names: c.853+4C>A (NM_001369532.1, NM_001369533.1, NM_001018066.3 and 18 more transcripts); c.385+4C>A (NM_001369536.1, NM_001369535.1, NM_001369550.1 and 2 more transcripts).
Identifiers: ClinVar variation 1905063 (VCV001905063.5), dbSNP rs752190523, ClinGen allele CA5105584.

ClinVar aggregate classification (germline): Uncertain significance (1 of 4 stars; one submission).

gnomAD v4.1: 1 of 1,614,048 alleles (0.000062%); highest among the groups gnomAD compares: Non-Finnish European, 0.000085%; no homozygotes.

Submission:

Labcorp Genetics (formerly Invitae), Labcorp
Classification: Uncertain significance. Last evaluated: 2024-02-23. Review status: criteria provided, single submitter. Criteria: Invitae Variant Classification Sherloc (09022015). Collection method: clinical testing. Allele origin: germline.
Comment: This sequence change falls in intron 10 of the NTRK2 gene. It does not directly change the encoded amino acid sequence of the NTRK2 protein. It affects a nucleotide within the consensus splice site. This variant is present in population databases (rs752190523, gnomAD 0.0009%). This variant has not been reported in the literature in individuals affected with NTRK2-related conditions. ClinVar contains an entry for this variant (Variation ID: 1905063). Variants that disrupt the consensus splice site are a relatively common cause of aberrant splicing (PMID: 17576681, 9536098). Algorithms developed to predict the effect of sequence changes on RNA splicing suggest that this variant is not likely to affect RNA splicing. In summary, the available evidence is currently insufficient to determine the role of this variant in disease. Therefore, it has been classified as a Variant of Uncertain Significance.

Literature cited by the submitters: PubMed 17576681; PubMed 9536098.